The following is an entry in ClinVar:

ClinVar aggregate classification (germline): Uncertain significance (1 of 4 stars; one submission).

Conditions:
Hereditary insensitivity to pain with anhidrosis (CIPA). Also called: NEUROPATHY, CONGENITAL SENSORY, WITH ANHIDROSIS; INSENSITIVITY TO PAIN, CONGENITAL, WITH ANHIDROSIS; HSAN Type IV; hereditary sensory and autonomic neuropathy type 4; NTRK1 Congenital Insensitivity to Pain with Anhidrosis; FAMILIAL DYSAUTONOMIA, TYPE II. Identifiers: Orphanet 642, MedGen C0020074, MONDO:0009746, OMIM 256800.

Allele frequency attached by ClinVar (database versions not stated): gnomAD exomes below 0.00001; gnomAD 0.00001; TOPMed 0.00003.
gnomAD v4.1: 4 of 1,614,130 alleles (0.00025%); highest among the groups gnomAD compares: Admixed American, 0.0033%; no homozygotes.

Submission:

Labcorp Genetics (formerly Invitae), Labcorp
Classification: Uncertain significance for Hereditary insensitivity to pain with anhidrosis. Last evaluated: 2022-07-06. Review status: criteria provided, single submitter. Criteria: Invitae Variant Classification Sherloc (09022015). Collection method: clinical testing. Allele origin: germline.
Comment: This sequence change replaces leucine, which is neutral and non-polar, with phenylalanine, which is neutral and non-polar, at codon 138 of the NTRK1 protein (p.Leu138Phe). This variant is present in population databases (no rsID available, gnomAD 0.003%). This variant has not been reported in the literature in individuals affected with NTRK1-related conditions. ClinVar contains an entry for this variant (Variation ID: 1409753). Advanced modeling of protein sequence and biophysical properties (such as structural, functional, and spatial information, amino acid conservation, physicochemical variation, residue mobility, and thermodynamic stability) performed at Invitae indicates that this missense variant is not expected to disrupt NTRK1 protein function. In summary, the available evidence is currently insufficient to determine the role of this variant in disease. Therefore, it has been classified as a Variant of Uncertain Significance.

NM_002529.4(NTRK1):c.412C>T (p.Leu138Phe)

Gene: NTRK1 (neurotrophic receptor tyrosine kinase 1; plus strand). Cytogenetic location: 1q23.1.
Variant type: single nucleotide variant.
Coding change: c.412C>T on transcript NM_002529.4 (MANE Select); coding-DNA position 412, C replaced by T.
Protein change: p.Leu138Phe; replaces leucine 138 with phenylalanine.
Molecular consequence: missense variant.
Genome position (GRCh38, 1-based): chr1:156,866,962, C>T. VCF-style: chr1-156866962-C-T. GRCh37 (hg19) VCF-style: chr1-156836754-C-T.
Other names: c.322C>T, p.Leu108Phe (NM_001007792.1); c.412C>T, p.Leu138Phe (NM_001012331.2); short protein forms L108F, L138F.
Identifiers: ClinVar variation 1409753 (VCV001409753.5), dbSNP rs1272908877, ClinGen allele CA342933282.